The following is an entry in ClinVar:

ClinVar aggregate classification (germline): Uncertain significance (1 of 4 stars; one submission).

Conditions:
Emery-Dreifuss muscular dystrophy 5, autosomal dominant (EDMD5). Also called: EMERY-DREIFUSS MUSCULAR DYSTROPHY 5. Identifiers: Orphanet 261, MedGen C2751805, MONDO:0013072, OMIM 612999.

Submission:

Labcorp Genetics (formerly Invitae), Labcorp
Classification: Uncertain significance for Emery-Dreifuss muscular dystrophy 5, autosomal dominant. Last evaluated: 2022-07-12. Review status: criteria provided, single submitter. Criteria: Invitae Variant Classification Sherloc (09022015). Collection method: clinical testing. Allele origin: germline.
Comment: In summary, the available evidence is currently insufficient to determine the role of this variant in disease. Therefore, it has been classified as a Variant of Uncertain Significance. Algorithms developed to predict the effect of missense changes on protein structure and function are either unavailable or do not agree on the potential impact of this missense change (SIFT: "Tolerated"; PolyPhen-2: "Possibly Damaging"; Align-GVGD: "Class C0"). ClinVar contains an entry for this variant (Variation ID: 934691). This variant has not been reported in the literature in individuals affected with SYNE2-related conditions. This variant is not present in population databases (gnomAD no frequency). This sequence change replaces serine, which is neutral and polar, with isoleucine, which is neutral and non-polar, at codon 3537 of the SYNE2 protein (p.Ser3537Ile).

NM_182914.3(SYNE2):c.10610G>T (p.Ser3537Ile)

Gene: SYNE2 (spectrin repeat containing nuclear envelope protein 2; plus strand). Cytogenetic location: 14q23.2.
Variant type: single nucleotide variant.
Coding change: c.10610G>T on transcript NM_182914.3 (MANE Select); coding-DNA position 10610, G replaced by T.
Protein change: p.Ser3537Ile; replaces serine 3537 with isoleucine.
Molecular consequence: missense variant.
Genome position (GRCh38, 1-based): chr14:64,070,823, G>T. VCF-style: chr14-64070823-G-T. GRCh37 (hg19) VCF-style: chr14-64537541-G-T.
Other names: c.10610G>T, p.Ser3537Ile (NM_015180.6); short protein forms S3537I.
Identifiers: ClinVar variation 934691 (VCV000934691.9), dbSNP rs2097400006, ClinGen allele CA389936815.